The following is an entry in ClinVar:

NM_000268.4(NF2):c.625A>G (p.Lys209Glu)

Gene: NF2 (NF2, moesin-ezrin-radixin like (MERLIN) tumor suppressor; plus strand). Cytogenetic location: 22q12.2.
Variant type: single nucleotide variant.
Coding change: c.625A>G on transcript NM_000268.4 (MANE Select); coding-DNA position 625, A replaced by G.
Protein change: p.Lys209Glu; replaces lysine 209 with glutamic acid.
Molecular consequence: missense variant. On other transcripts: non-coding transcript variant (1), intron variant (1).
Genome position (GRCh38, 1-based): chr22:29,658,214, A>G. VCF-style: chr22-29658214-A-G. GRCh37 (hg19) VCF-style: chr22-30054203-A-G.
Other names: c.511A>G, p.Lys171Glu (NM_001407053.1, NM_001407056.1); c.502A>G, p.Lys168Glu (NM_001407054.1, NM_001407058.1, NM_001407062.1 and 1 more transcripts); c.499A>G, p.Lys167Glu (NM_001407055.1, NM_181828.3); c.625A>G, p.Lys209Glu (NM_001407057.1, NM_001407059.1, NM_001407060.1 and 4 more transcripts); c.376A>G, p.Lys126Glu (NM_001407063.1, NM_001407064.1, NM_181830.3 and 1 more transcripts); c.91A>G, p.Lys31Glu (NM_001407065.1); c.394A>G, p.Lys132Glu (NM_001407067.1); c.447+15929A>G (NM_181833.3); short protein forms K126E, K31E, K132E, K167E, K209E, K168E, K171E.
Identifiers: ClinVar variation 1752478 (VCV001752478.2), dbSNP rs2518575073, ClinGen allele CA411143020.
Genomic context (GRCh38, chr22:29,658,214, plus strand): 5'-AGCTCCAATGACAGTGTCTTCCGTTCTCCCCACAGGGATGAAGCTGAAATGGAATATCTG[A>G]AGATAGCTCAGGACCTGGAGATGTACGGTGTGAACTACTTTGCAATCCGGGTGTGTTGAA-3'
Protein context (NP_000259.1, residues 199-219): ARDEAEMEYL[Lys209Glu]IAQDLEMYGV

ClinVar aggregate classification (germline): Uncertain significance (1 of 4 stars; one submission).

Conditions:
Hereditary cancer-predisposing syndrome. Also called: Hereditary Cancer Syndrome; Hereditary neoplastic syndrome; Neoplastic Syndromes, Hereditary; Tumor predisposition. Identifiers: Orphanet 140162, MedGen C0027672, MeSH D009386, MONDO:0015356.

Submission:

Ambry Genetics
Classification: Uncertain significance for Hereditary cancer-predisposing syndrome. Last evaluated: 2020-12-31. Review status: criteria provided, single submitter. Criteria: Ambry Variant Classification Scheme 2023. Collection method: clinical testing. Allele origin: germline.
Comment: The p.K209E variant (also known as c.625A>G), located in coding exon 7 of the NF2 gene, results from an A to G substitution at nucleotide position 625. The lysine at codon 209 is replaced by glutamic acid, an amino acid with similar properties. This amino acid position is highly conserved in available vertebrate species. In addition, this alteration is predicted to be deleterious by in silico analysis. Since supporting evidence is limited at this time, the clinical significance of this alteration remains unclear.